The following is an entry in ClinVar:

NM_001754.5(RUNX1):c.261C>G (p.Gly87=)

Gene: RUNX1 (RUNX family transcription factor 1; minus strand). Cytogenetic location: 21q22.12.
Variant type: single nucleotide variant.
Coding change: c.261C>G on transcript NM_001754.5 (MANE Select); coding-DNA position 261, C replaced by G.
Protein change: p.Gly87=; no amino-acid change (glycine 87 retained).
Molecular consequence: synonymous variant.
Genome position (GRCh38, 1-based): chr21:34,886,933, G>C on the plus strand (C>G on the coding strand, the complement: RUNX1 is on the minus strand). VCF-style: chr21-34886933-G-C. GRCh37 (hg19) VCF-style: chr21-36259230-G-C.
Other names: NM_001754.5(RUNX1):c.261C>G; p.Gly87=; c.180C>G, p.Gly60= (NM_001001890.3, NM_001122607.2).
Identifiers: ClinVar variation 2058836 (VCV002058836.5), dbSNP rs2146410177, ClinGen allele CA512318876.

ClinVar aggregate classification (germline): Likely benign. Review status: reviewed by expert panel (3 of 4 stars). 2 submissions from 2 submitters: Likely benign (1). 1 of the submissions does not count toward it. Last evaluated 2024-09-18.

Conditions:
Hereditary thrombocytopenia and hematologic cancer predisposition syndrome. Identifiers: Orphanet 71290, MedGen CN281654, MONDO:0011071.
Hereditary thrombocytopenia and hematological cancer predisposition syndrome associated with RUNX1. Also called: Familial Platelet Disorder with Propensity to Acute Myelogenous Leukemia; Familial thrombocytopenia with propensity to acute myelogenous leukemia; PLATELET DISORDER, ASPIRIN-LIKE; RUNX1 Familial Platelet Disorder with Associated Myeloid Malignancies. Identifiers: Orphanet 71290, MedGen C1832388, MeSH C563324, MONDO:0100083, OMIM 601399.

Submissions (2):

ClinGen Myeloid Malignancy Variant Curation Expert Panel
Classification: Likely benign for Hereditary thrombocytopenia and hematologic cancer predisposition syndrome. Last evaluated: 2024-09-18. Review status: reviewed by expert panel. Criteria: ClinGen MyeloMalig ACMG Specifications v2. Collection method: curation. Allele origin: germline. Inheritance: Autosomal dominant inheritance.
Comment: NM_001754.5(RUNX1):c.261C>G (p.Gly87=) is a synonymous variant which has a SpliceAI score ≤ 0.20 (0.01) (BP4). This variant has a SpliceAI score ≤ 0.20 (0.01) and evolutionary conservation algorithms predict the site as not being conserved (PhyloP score ≤ 2.0 (-0.30) (BP7). This variant is completely absent from all population databases with at least 20x coverage for RUNX1 (PM2_Supporting). In summary, this variant meets criteria to be classified as likely benign. ACMG/AMP criteria applied, as specified by the Myeloid Malignancy Variant Curation Expert Panel for RUNX1: BP4, BP7, PM2_supporting.

Labcorp Genetics (formerly Invitae), Labcorp
Classification: Likely benign for Hereditary thrombocytopenia and hematological cancer predisposition syndrome associated with RUNX1. Last evaluated: 2022-06-15. Review status: criteria provided, single submitter. Criteria: Invitae Variant Classification Sherloc (09022015). Collection method: clinical testing. Allele origin: germline. Not counted in ClinVar's aggregate classification.